The following is an entry in ClinVar:

NM_001793.6(CDH3):c.1699A>G (p.Ile567Val)

Gene: CDH3 (cadherin 3; plus strand). Cytogenetic location: 16q22.1.
Variant type: single nucleotide variant.
Coding change: c.1699A>G on transcript NM_001793.6 (MANE Select); coding-DNA position 1699, A replaced by G.
Protein change: p.Ile567Val; replaces isoleucine 567 with valine.
Molecular consequence: missense variant.
Genome position (GRCh38, 1-based): chr16:68,687,640, A>G. VCF-style: chr16-68687640-A-G. GRCh37 (hg19) VCF-style: chr16-68721543-A-G.
Other names: c.1699A>G, p.Ile567Val (NM_001317195.3); c.1534A>G, p.Ile512Val (NM_001317196.2); c.1699A>G (NM_001793.4); short protein forms I512V, I567V.
Identifiers: ClinVar variation 1349048 (VCV001349048.7), dbSNP rs146470218, ClinGen allele CA8129446.
Genomic context (GRCh38, chr16:68,687,640, plus strand): 5'-GTCCCTGAGCCCCGTCAGATCACCATCTGCAACCAAAGCCCTGTGCGCCAGGTGCTGAAC[A>G]TCACGGACAAGGACCTGTCTCCCCACACCTCCCCTTTCCAGGCCCAGCTCACAGATGACT-3'
Protein context (NP_001784.2, residues 557-577): NQSPVRQVLN[Ile567Val]TDKDLSPHTS

ClinVar aggregate classification (germline): Uncertain significance. Review status: criteria provided, multiple submitters, no conflicts (2 of 4 stars). 2 submissions from 2 submitters: Uncertain significance (2). Last evaluated 2025-07-14.

Conditions:
Inborn genetic diseases. Identifiers: MedGen C0950123, MeSH D030342.

Allele frequency attached by ClinVar (database versions not stated): gnomAD 0.00001; gnomAD exomes 0.00001; ExAC 0.00002; ESP Exome Variant Server 0.00008.
gnomAD v4.1: 21 of 1,613,992 alleles (0.0013%); highest among the groups gnomAD compares: African/African-American, 0.0027%; no homozygotes.

Submissions (2):

Ambry Genetics
Classification: Uncertain significance for Inborn genetic diseases. Last evaluated: 2025-07-14. Review status: criteria provided, single submitter. Criteria: Ambry Variant Classification Scheme 2023. Collection method: clinical testing. Allele origin: germline.

Labcorp Genetics (formerly Invitae), Labcorp
Classification: Uncertain significance. Last evaluated: 2023-12-11. Review status: criteria provided, single submitter. Criteria: Invitae Variant Classification Sherloc (09022015). Collection method: clinical testing. Allele origin: germline.
Comment: This sequence change replaces isoleucine, which is neutral and non-polar, with valine, which is neutral and non-polar, at codon 567 of the CDH3 protein (p.Ile567Val). This variant is present in population databases (rs146470218, gnomAD 0.003%). This variant has not been reported in the literature in individuals affected with CDH3-related conditions. ClinVar contains an entry for this variant (Variation ID: 1349048). Advanced modeling of protein sequence and biophysical properties (such as structural, functional, and spatial information, amino acid conservation, physicochemical variation, residue mobility, and thermodynamic stability) performed at Invitae indicates that this missense variant is not expected to disrupt CDH3 protein function with a negative predictive value of 80%. In summary, the available evidence is currently insufficient to determine the role of this variant in disease. Therefore, it has been classified as a Variant of Uncertain Significance.